The following is an entry in ClinVar:

ClinVar aggregate classification (germline): Uncertain significance. Review status: criteria provided, single submitter (1 of 4 stars). 2 submissions from 2 submitters: Uncertain significance (1). 1 of the submissions does not count toward it. Last evaluated 2021-10-27.

Conditions:
Cowden syndrome 6 (CWS6). Identifiers: Orphanet 201, MedGen C3554519, MONDO:0014048, OMIM 615109.
AKT1-related disorder. Also called: AKT1-related condition.

Allele frequency attached by ClinVar (database versions not stated): gnomAD exomes below 0.00001; TOPMed below 0.00001.
gnomAD v4.1: 3 of 1,613,898 alleles (0.00019%); highest among the groups gnomAD compares: Non-Finnish European, 0.00025%; no homozygotes.

Submissions (2):

Labcorp Genetics (formerly Invitae), Labcorp
Classification: Uncertain significance for Cowden syndrome 6. Last evaluated: 2021-10-27. Review status: criteria provided, single submitter. Criteria: Invitae Variant Classification Sherloc (09022015). Collection method: clinical testing. Allele origin: germline.
Comment: In summary, the available evidence is currently insufficient to determine the role of this variant in disease. Therefore, it has been classified as a Variant of Uncertain Significance. Algorithms developed to predict the effect of sequence changes on RNA splicing suggest that this variant may create or strengthen a splice site. Algorithms developed to predict the effect of missense changes on protein structure and function (SIFT, PolyPhen-2, Align-GVGD) all suggest that this variant is likely to be disruptive. This variant has not been reported in the literature in individuals affected with AKT1-related conditions. This variant is present in population databases (no rsID available, gnomAD 0.0009%). This sequence change replaces arginine, which is basic and polar, with glutamine, which is neutral and polar, at codon 273 of the AKT1 protein (p.Arg273Gln).

PreventionGenetics, part of Exact Sciences
Classification: Uncertain significance for AKT1-related condition. Last evaluated: 2024-08-12. Review status: no assertion criteria provided. Collection method: clinical testing. Allele origin: germline. Not counted in ClinVar's aggregate classification.
Comment: The AKT1 c.818G>A variant is predicted to result in the amino acid substitution p.Arg273Gln. To our knowledge, this variant has not been reported in association with disorders in the literature. This variant is reported in 0.00088% of alleles in individuals of European (Non-Finnish) descent in gnomAD. At this time, the clinical significance of this variant is uncertain due to the absence of conclusive functional and genetic evidence.

NM_001382430.1(AKT1):c.818G>A (p.Arg273Gln)

Gene: AKT1 (AKT serine/threonine kinase 1; minus strand). Cytogenetic location: 14q32.33.
Variant type: single nucleotide variant.
Coding change: c.818G>A on transcript NM_001382430.1 (MANE Select); coding-DNA position 818, G replaced by A.
Protein change: p.Arg273Gln; replaces arginine 273 with glutamine.
Molecular consequence: missense variant.
Genome position (GRCh38, 1-based): chr14:104,773,465, C>T on the plus strand (G>A on the coding strand, the complement: AKT1 is on the minus strand). VCF-style: chr14-104773465-C-T. GRCh37 (hg19) VCF-style: chr14-105239802-C-T.
Other names: c.818G>A, p.Arg273Gln (NM_001014431.2, NM_001014432.2, NM_001382431.1 and 3 more transcripts); short protein forms R273Q.
Identifiers: ClinVar variation 1380604 (VCV001380604.8), dbSNP rs1424916218, ClinGen allele CA391218194.